The following is an entry in ClinVar:

ClinVar aggregate classification (germline): Uncertain significance. Review status: criteria provided, multiple submitters, no conflicts (2 of 4 stars). 3 submissions from 3 submitters: Uncertain significance (3). Last evaluated 2024-03-13.

Conditions:
Hereditary nonpolyposis colon cancer (HNPCC). Also called: Hereditary nonpolyposis colorectal cancer; Familial nonpolyposis colon cancer; Hereditary Nonpolyposis Colorectal Cancer Syndrome. Identifiers: Orphanet 443909, MedGen C1333990, MONDO:0018630. Disease mechanism: loss of function.
Hereditary cancer-predisposing syndrome. Also called: Hereditary neoplastic syndrome; Neoplastic Syndromes, Hereditary; Hereditary Cancer Syndrome; Tumor predisposition. Identifiers: Orphanet 140162, MedGen C0027672, MeSH D009386, MONDO:0015356.
Familial cancer of breast. Also called: Hereditary breast cancer; BREAST CANCER, FAMILIAL; hereditary breast carcinoma. Identifiers: Orphanet 227535, MedGen C0346153, MONDO:0016419, OMIM 114480. Disease mechanism: loss of function.

gnomAD v4.1: 1 of 1,613,788 alleles (0.000062%); no homozygotes.

Submissions (3):

Ambry Genetics
Classification: Uncertain significance for Hereditary cancer-predisposing syndrome. Last evaluated: 2024-03-13. Review status: criteria provided, single submitter. Criteria: Ambry Variant Classification Scheme 2023. Collection method: clinical testing. Allele origin: germline.
Comment: The p.S398C variant (also known as c.1193C>G), located in coding exon 10 of the CHEK2 gene, results from a C to G substitution at nucleotide position 1193. The serine at codon 398 is replaced by cysteine, an amino acid with dissimilar properties. This alteration was identified in an individual diagnosed with breast cancer (Aksoy F et al. Hum Hered, 2022 Jan;:). This amino acid position is well conserved in available vertebrate species. In addition, this alteration is predicted to be tolerated by in silico analysis. Based on the available evidence, the clinical significance of this alteration remains unclear.

Labcorp Genetics (formerly Invitae), Labcorp
Classification: Uncertain significance for Familial cancer of breast. Last evaluated: 2024-01-21. Review status: criteria provided, single submitter. Criteria: Invitae Variant Classification Sherloc (09022015). Collection method: clinical testing. Allele origin: germline.
Comment: This sequence change replaces serine, which is neutral and polar, with cysteine, which is neutral and slightly polar, at codon 398 of the CHEK2 protein (p.Ser398Cys). This variant is not present in population databases (gnomAD no frequency). This missense change has been observed in individual(s) with breast/ovarian cancer (PMID: 34991090). An algorithm developed to predict the effect of missense changes on protein structure and function (PolyPhen-2) suggests that this variant is likely to be disruptive. In summary, the available evidence is currently insufficient to determine the role of this variant in disease. Therefore, it has been classified as a Variant of Uncertain Significance.

Department of Pathology and Laboratory Medicine, Sinai Health System
Classification: Uncertain significance for hereditary nonpolyposis colon cancer. Last evaluated: 2022-12-20. Review status: criteria provided, single submitter. Criteria: ACMG Guidelines, 2015. Collection method: clinical testing. Allele origin: germline.

Literature cited by the submitters: PubMed 34991090 (cited by 3 submitters).

NM_007194.4(CHEK2):c.1193C>G (p.Ser398Cys)

Gene: CHEK2 (checkpoint kinase 2; minus strand). Cytogenetic location: 22q12.1.
Variant type: single nucleotide variant.
Coding change: c.1193C>G on transcript NM_007194.4 (MANE Select); coding-DNA position 1193, C replaced by G.
Protein change: p.Ser398Cys; replaces serine 398 with cysteine.
Molecular consequence: missense variant.
Genome position (GRCh38, 1-based): chr22:28,695,776, G>C on the plus strand (C>G on the coding strand, the complement: CHEK2 is on the minus strand). VCF-style: chr22-28695776-G-C. GRCh37 (hg19) VCF-style: chr22-29091764-G-C.
Other names: c.1322C>G, p.Ser441Cys (NM_001005735.3); c.530C>G, p.Ser177Cys (NM_001257387.3); c.992C>G, p.Ser331Cys (NM_001349956.3); c.1106C>G, p.Ser369Cys (NM_145862.3); short protein forms S177C, S369C, S331C, S398C, S441C.
Identifiers: ClinVar variation 2704438 (VCV002704438.5), dbSNP rs1555913751, ClinGen allele CA411096786.